The following is an entry in ClinVar:

ClinVar aggregate classification (germline): Benign (1 of 4 stars; one submission).

Conditions:
Amyotrophic lateral sclerosis type 6. Also called: FUS-Related Amyotrophic Laterial Sclerosis; AMYOTROPHIC LATERAL SCLEROSIS 6 WITHOUT FRONTOTEMPORAL DEMENTIA; Amyotrophic lateral sclerosis 6, with or without frontotemporal dementia. Identifiers: Orphanet 275872, Orphanet 803, MedGen C2931786, MONDO:0011951, OMIM 608030.

Allele frequency attached by ClinVar (database versions not stated): gnomAD exomes 0.00696 and 0.00854; gnomAD 0.03069 and 0.03248; 1000 Genomes Project 30x 0.03498; 1000 Genomes Project 0.03275; ExAC 0.00836; TOPMed 0.03346.
gnomAD v4.1: 7,353 of 530,438 alleles (1.4%); highest among the groups gnomAD compares: African/African-American, 9.7%; 290 homozygotes.

Submission:

Illumina Laboratory Services, Illumina
Classification: Benign for Amyotrophic lateral sclerosis type 6. Last evaluated: 2018-01-12. Review status: criteria provided, single submitter. Criteria: ICSL Variant Classification Criteria 13 December 2019. Collection method: clinical testing. Allele origin: germline.
Comment: This variant was observed in the ICSL laboratory as part of a predisposition screen in an ostensibly healthy population. It had not been previously curated by ICSL or reported in the Human Gene Mutation Database (HGMD: prior to June 1st, 2018), and was therefore a candidate for classification through an automated scoring system. Utilizing variant allele frequency, disease prevalence and penetrance estimates, and inheritance mode, an automated score was calculated to assess if this variant is too frequent to cause the disease. Based on the score and internal cut-off values, a variant classified as benign is not then subjected to further curation. The score for this variant resulted in a classification of benign for this disease.

NM_004960.3(FUS):c.*2486G>A

Gene: FUS (FUS DNA/RNA binding protein; plus strand). Cytogenetic location: 16p11.2.
Variant type: single nucleotide variant.
Coding change: c.*2486G>A on transcript NM_004960.3; 2486 bases downstream of the stop codon, G replaced by A.
Molecular consequence: 3 prime UTR variant (on NM_001170634.1). On other transcripts: non-coding transcript variant (1).
Genome position (GRCh38, 1-based): chr16:31,193,924, G>A. VCF-style: chr16-31193924-G-A. GRCh37 (hg19) VCF-style: chr16-31205245-G-A.
Other names: c.*2486G>A (NM_001170634.1, NM_001170937.1).
Identifiers: ClinVar variation 319043 (VCV000319043.7), dbSNP rs73530298, ClinGen allele CA8024330.